The following is an entry in ClinVar:

NM_004380.3(CREBBP):c.5472C>G (p.Ala1824=)

Gene: CREBBP (CREB binding lysine acetyltransferase; minus strand). Cytogenetic location: 16p13.3.
Variant type: single nucleotide variant.
Coding change: c.5472C>G on transcript NM_004380.3 (MANE Select); coding-DNA position 5472, C replaced by G.
Protein change: p.Ala1824=; no amino-acid change (alanine 1824 retained).
Molecular consequence: synonymous variant.
Genome position (GRCh38, 1-based): chr16:3,729,575, G>C on the plus strand (C>G on the coding strand, the complement: CREBBP is on the minus strand). VCF-style: chr16-3729575-G-C. GRCh37 (hg19) VCF-style: chr16-3779576-G-C.
Other names: c.5358C>G, p.Ala1786= (NM_001079846.1).
Identifiers: ClinVar variation 3350688 (VCV003350688.3).

ClinVar aggregate classification (germline): Likely benign. Review status: criteria provided, single submitter (1 of 4 stars). 2 submissions from 2 submitters: Likely benign (1). 1 of the submissions does not count toward it. Last evaluated 2024-04-24.

Conditions:
Rubinstein-Taybi syndrome (RSTS). Identifiers: Orphanet 783, MedGen C0035934, MONDO:0019188.
CREBBP-related disorder. Also called: CREBBP-related condition; CREBBP-related disorders.

gnomAD v4.1: 6 of 1,614,186 alleles (0.00037%); highest among the groups gnomAD compares: Non-Finnish European, 0.00042%; no homozygotes.

Submissions (2):

Labcorp Genetics (formerly Invitae), Labcorp
Classification: Likely benign for Rubinstein-Taybi syndrome. Last evaluated: 2024-04-24. Review status: criteria provided, single submitter. Criteria: Invitae Variant Classification Sherloc (09022015). Collection method: clinical testing. Allele origin: germline.

PreventionGenetics, part of Exact Sciences
Classification: Likely benign for CREBBP-related condition. Last evaluated: 2024-05-07. Review status: no assertion criteria provided. Collection method: clinical testing. Allele origin: germline. Not counted in ClinVar's aggregate classification.
Comment: This variant is classified as likely benign based on ACMG/AMP sequence variant interpretation guidelines (Richards et al. 2015 PMID: 25741868, with internal and published modifications).